The following is an entry in ClinVar:

NM_000426.4(LAMA2):c.8705del (p.Val2902fs)

Gene: LAMA2 (laminin subunit alpha 2; plus strand). Cytogenetic location: 6q22.33.
Variant type: Deletion.
Coding change: c.8705del on transcript NM_000426.4 (MANE Select); coding-DNA position 8705, one base deleted (T; older notation c.8705delT).
Protein change: p.Val2902fs; shifts the reading frame from valine 2902.
Molecular consequence: frameshift variant.
Genome position (GRCh38, 1-based): chr6:129,507,490, T deleted. VCF-style (leftmost placement, unchanged base first): chr6-129507489-GT-G. GRCh37 (hg19) VCF-style: chr6-129828634-GT-G.
Other names: c.8693del, p.Val2898fs (NM_001079823.2); short protein forms V2898fs, V2902fs.
Identifiers: ClinVar variation 4886435 (VCV004886435.2).

ClinVar aggregate classification (germline): Likely pathogenic (1 of 4 stars; one submission).

Submission:

Dasa
Classification: Likely pathogenic. Last evaluated: 2024-10-11. Review status: criteria provided, single submitter. Criteria: DASA Assertion Criteria. Collection method: clinical testing. Allele origin: germline.
Comment: NM_000426.4(LAMA2):c.8705del (p.Val2902Glyfs*63) is a frameshift variant in LAMA2 predicted to alter the reading frame and introduce a premature termination codon and is predicted to result in an absent or altered protein product. Loss of function is an established disease mechanism for LAMA2-associated disorders. Also, this variant is absent from population databases. Based on the currently available evidence, this variant is classified as likely pathogenic.